The following is an entry in ClinVar:

ClinVar aggregate classification (germline): Uncertain significance (1 of 4 stars; one submission).

Submission:

GeneDx
Classification: Uncertain significance. Last evaluated: 2024-11-26. Review status: criteria provided, single submitter. Criteria: GeneDx Variant Classification Process June 2021. Collection method: clinical testing. Allele origin: germline. Affected: yes.
Comment: Not observed at significant frequency in large population cohorts (gnomAD); In silico analysis indicates that this missense variant does not alter protein structure/function; Has not been previously published as pathogenic or benign to our knowledge

NM_000193.4(SHH):c.1070A>G (p.Asn357Ser)

Gene: SHH (sonic hedgehog signaling molecule; minus strand). Cytogenetic location: 7q36.3.
Variant type: single nucleotide variant.
Coding change: c.1070A>G on transcript NM_000193.4 (MANE Select); coding-DNA position 1070, A replaced by G.
Protein change: p.Asn357Ser; replaces asparagine 357 with serine.
Molecular consequence: missense variant. On other transcripts: intron variant (1).
Genome position (GRCh38, 1-based): chr7:155,803,219, T>C on the plus strand (A>G on the coding strand, the complement: SHH is on the minus strand). VCF-style: chr7-155803219-T-C. GRCh37 (hg19) VCF-style: chr7-155595913-T-C.
Other names: c.302-2974A>G (NM_001310462.2); short protein forms N357S.
Identifiers: ClinVar variation 3900828 (VCV003900828.1).